The following is an entry in ClinVar:

ClinVar aggregate classification (germline): Uncertain significance (1 of 4 stars; one submission).

Submission:

Labcorp Genetics (formerly Invitae), Labcorp
Classification: Uncertain significance. Last evaluated: 2018-12-20. Review status: criteria provided, single submitter. Criteria: Invitae Variant Classification Sherloc (09022015). Collection method: clinical testing. Allele origin: germline.
Comment: This sequence change falls in intron 31 of the POLE gene. It does not directly change the encoded amino acid sequence of the POLE protein, but it affects a nucleotide within the consensus splice site of the intron. This variant is not present in population databases (ExAC no frequency). This variant has not been reported in the literature in individuals with POLE-related disease. Nucleotide substitutions within the consensus splice site are a relatively common cause of aberrant splicing (PMID: 17576681, 9536098). Algorithms developed to predict the effect of sequence changes on RNA splicing suggest that this variant may disrupt the consensus splice site, but this prediction has not been confirmed by published transcriptional studies. In summary, the available evidence is currently insufficient to determine the role of this variant in disease. Therefore, it has been classified as a Variant of Uncertain Significance.

Literature cited by the submitters: PubMed 17576681; PubMed 9536098.

NM_006231.4(POLE):c.4006-3C>A

Gene: POLE (DNA polymerase epsilon, catalytic subunit; minus strand). Cytogenetic location: 12q24.33.
Variant type: single nucleotide variant.
Coding change: c.4006-3C>A on transcript NM_006231.4 (MANE Select); 3 bases into the intron before coding-DNA position 4006, C replaced by A.
Molecular consequence: intron variant.
Genome position (GRCh38, 1-based): chr12:132,649,075, G>T on the plus strand (C>A on the coding strand, the complement: POLE is on the minus strand). VCF-style: chr12-132649075-G-T. GRCh37 (hg19) VCF-style: chr12-133225661-G-T.
Identifiers: ClinVar variation 659288 (VCV000659288.8), dbSNP rs1593748957, ClinGen allele CA915946827.
Genomic context (GRCh38, chr12:132,649,075, plus strand): 5'-AGTCACTGCCAACGAGCGCCCACAGCCTGAACAGGCCGGCCTGGCTGGTCTCGCTGATCT[G>T]AAAGGCCACACGGACATACAGCACATCACAGGACACACTGGAACCCACAGACGGGGCCAC-3'